The following is an entry in ClinVar:

NM_024989.4(PGAP1):c.2165C>T (p.Pro722Leu)

Gene: PGAP1 (post-GPI attachment to proteins inositol deacylase 1; minus strand). Cytogenetic location: 2q33.1.
Variant type: single nucleotide variant.
Coding change: c.2165C>T on transcript NM_024989.4 (MANE Select); coding-DNA position 2165, C replaced by T.
Protein change: p.Pro722Leu; replaces proline 722 with leucine.
Molecular consequence: missense variant.
Genome position (GRCh38, 1-based): chr2:196,846,003, G>A on the plus strand (C>T on the coding strand, the complement: PGAP1 is on the minus strand). VCF-style: chr2-196846003-G-A. GRCh37 (hg19) VCF-style: chr2-197710727-G-A.
Other names: c.1643C>T, p.Pro548Leu (NM_001321099.2); c.998C>T, p.Pro333Leu (NM_001321100.2); short protein forms P333L, P548L, P722L.
Identifiers: ClinVar variation 1708446 (VCV001708446.2), dbSNP rs2469094289, ClinGen allele CA350185852.

ClinVar aggregate classification (germline): Uncertain significance (1 of 4 stars; one submission).

Submission:

Centre of Medical Genetics, University Hospital Muenster
Classification: Uncertain significance. Last evaluated: 2021-12-04. Review status: criteria provided, single submitter. Criteria: ACMG Guidelines, 2015. Collection method: clinical testing. Allele origin: unknown. Affected: yes. Observed: 1 variant allele, 1 heterozygote.
Comment: ACMG categories: PM2,BP1